The following is an entry in ClinVar:

NM_152296.5(ATP1A3):c.1277G>A (p.Gly426Asp)

Gene: ATP1A3 (ATPase Na+/K+ transporting subunit alpha 3; minus strand). Cytogenetic location: 19q13.2.
Variant type: single nucleotide variant.
Coding change: c.1277G>A on transcript NM_152296.5 (MANE Select); coding-DNA position 1277, G replaced by A.
Protein change: p.Gly426Asp; replaces glycine 426 with aspartic acid.
Molecular consequence: missense variant.
Genome position (GRCh38, 1-based): chr19:41,981,747, C>T on the plus strand (G>A on the coding strand, the complement: ATP1A3 is on the minus strand). VCF-style: chr19-41981747-C-T. GRCh37 (hg19) VCF-style: chr19-42485899-C-T.
Other names: c.1310G>A, p.Gly437Asp (NM_001256213.2); c.1316G>A, p.Gly439Asp (NM_001256214.2); short protein forms G426D, G437D, G439D.
Identifiers: ClinVar variation 2504542 (VCV002504542.1), dbSNP rs2145971948, ClinGen allele CA406050276.

ClinVar aggregate classification (germline): Uncertain significance (1 of 4 stars; one submission).

Allele frequency attached by ClinVar (database versions not stated): gnomAD exomes below 0.00001.
gnomAD v4.1: 3 of 1,614,222 alleles (0.00019%); highest among the groups gnomAD compares: Non-Finnish European, 0.00025%; no homozygotes.

Submission:

GeneDx
Classification: Uncertain significance. Last evaluated: 2022-11-30. Review status: criteria provided, single submitter. Criteria: GeneDx Variant Classification Process June 2021. Collection method: clinical testing. Allele origin: germline. Affected: yes.
Comment: Not observed at significant frequency in large population cohorts (gnomAD); In silico analysis supports that this missense variant has a deleterious effect on protein structure/function; Has not been previously published as pathogenic or benign to our knowledge